The following is an entry in ClinVar:

ClinVar aggregate classification (germline): Likely benign (0 of 4 stars; one submission).

Conditions:
GRIN2D-related disorder. Also called: GRIN2D-related condition.

Allele frequency attached by ClinVar (database versions not stated): ExAC 0.00001; gnomAD exomes 0.00001.
gnomAD v4.1: 13 of 1,614,098 alleles (0.00081%); highest among the groups gnomAD compares: South Asian, 0.0066%; 1 homozygote.

Submission:

PreventionGenetics, part of Exact Sciences
Classification: Likely benign for GRIN2D-related condition. Last evaluated: 2020-02-10. Review status: no assertion criteria provided. Collection method: clinical testing. Allele origin: germline.
Comment: This variant is classified as likely benign based on ACMG/AMP sequence variant interpretation guidelines (Richards et al. 2015 PMID: 25741868, with internal and published modifications).

NM_000836.4(GRIN2D):c.2589C>T (p.Phe863=)

Gene: GRIN2D (glutamate ionotropic receptor NMDA type subunit 2D; plus strand). Cytogenetic location: 19q13.33.
Variant type: single nucleotide variant.
Coding change: c.2589C>T on transcript NM_000836.4 (MANE Select); coding-DNA position 2589, C replaced by T.
Protein change: p.Phe863=; no amino-acid change (phenylalanine 863 retained).
Molecular consequence: synonymous variant.
Genome position (GRCh38, 1-based): chr19:48,442,298, C>T. VCF-style: chr19-48442298-C-T. GRCh37 (hg19) VCF-style: chr19-48945555-C-T.
Identifiers: ClinVar variation 3052191 (VCV003052191.2), dbSNP rs774133185, ClinGen allele CA9550775.